The following is an entry in ClinVar:

ClinVar aggregate classification (germline): Pathogenic (1 of 4 stars; one submission).

Conditions:
Landau-Kleffner syndrome (FESD). Also called: APHASIA, ACQUIRED, WITH EPILEPSY; EPILEPSY, FOCAL, WITH SPEECH DISORDER AND WITH OR WITHOUT MENTAL RETARDATION. Identifiers: Orphanet 1945, Orphanet 725, Orphanet 98818, MedGen C0282512, MONDO:0009509, OMIM 245570.

Submission:

Labcorp Genetics (formerly Invitae), Labcorp
Classification: Pathogenic for Landau-Kleffner syndrome. Last evaluated: 2022-08-15. Review status: criteria provided, single submitter. Criteria: Invitae Variant Classification Sherloc (09022015). Collection method: clinical testing. Allele origin: germline.
Comment: For these reasons, this variant has been classified as Pathogenic. This sequence change replaces methionine, which is neutral and non-polar, with arginine, which is basic and polar, at codon 564 of the GRIN2A protein (p.Met564Arg). This variant is not present in population databases (gnomAD no frequency). This missense change has been observed in individual(s) with epilepsy (Invitae). In at least one individual the variant was observed to be de novo. ClinVar contains an entry for this variant (Variation ID: 1347497). Advanced modeling of protein sequence and biophysical properties (such as structural, functional, and spatial information, amino acid conservation, physicochemical variation, residue mobility, and thermodynamic stability) performed at Invitae indicates that this missense variant is expected to disrupt GRIN2A protein function.

NM_001134407.3(GRIN2A):c.1691T>G (p.Met564Arg)

Gene: GRIN2A (glutamate ionotropic receptor NMDA type subunit 2A; minus strand). Cytogenetic location: 16p13.2.
Variant type: single nucleotide variant.
Coding change: c.1691T>G on transcript NM_001134407.3 (MANE Select); coding-DNA position 1691, T replaced by G.
Protein change: p.Met564Arg; replaces methionine 564 with arginine.
Molecular consequence: missense variant.
Genome position (GRCh38, 1-based): chr16:9,834,191, A>C on the plus strand (T>G on the coding strand, the complement: GRIN2A is on the minus strand). VCF-style: chr16-9834191-A-C. GRCh37 (hg19) VCF-style: chr16-9928048-A-C.
Other names: c.1691T>G, p.Met564Arg (NM_000833.5, NM_001134408.2); short protein forms M564R.
Identifiers: ClinVar variation 1347497 (VCV001347497.6), dbSNP rs2141325573, ClinGen allele CA394800061.